The following is an entry in ClinVar:

NM_000270.4(PNP):c.406dup (p.Ile136fs)

Gene: PNP (purine nucleoside phosphorylase; plus strand). Cytogenetic location: 14q11.2.
Variant type: Duplication.
Coding change: c.406dup on transcript NM_000270.4 (MANE Select); coding-DNA position 406, one base duplicated (A; older notation c.406dupA).
Protein change: p.Ile136fs; shifts the reading frame from isoleucine 136.
Molecular consequence: frameshift variant.
Genome position (GRCh38, 1-based): chr14:20,474,893, A duplicated. VCF-style (leftmost placement, unchanged base first): chr14-20474892-T-TA. GRCh37 (hg19) VCF-style: chr14-20943051-T-TA.
Other names: short protein forms I136fs.
Identifiers: ClinVar variation 2163413 (VCV002163413.4), dbSNP rs1566525641, ClinGen allele CA612862211.

ClinVar aggregate classification (germline): Pathogenic (1 of 4 stars; one submission).

Conditions:
Purine-nucleoside phosphorylase deficiency. Also called: Immunodeficiency due to purine nucleoside phosphorylase deficiency; NUCLEOSIDE PHOSPHORYLASE DEFICIENCY. Identifiers: Orphanet 760, MedGen C0268125, MONDO:0013171, OMIM 613179.

Allele frequency attached by ClinVar (database versions not stated): gnomAD exomes below 0.00001.

Submission:

Labcorp Genetics (formerly Invitae), Labcorp
Classification: Pathogenic for Purine-nucleoside phosphorylase deficiency. Last evaluated: 2022-02-11. Review status: criteria provided, single submitter. Criteria: Invitae Variant Classification Sherloc (09022015). Collection method: clinical testing. Allele origin: germline.
Comment: For these reasons, this variant has been classified as Pathogenic. This variant has not been reported in the literature in individuals affected with PNP-related conditions. This variant is present in population databases (no rsID available, gnomAD 0.0009%). This sequence change creates a premature translational stop signal (p.Ile136Asnfs*17) in the PNP gene. It is expected to result in an absent or disrupted protein product. Loss-of-function variants in PNP are known to be pathogenic (PMID: 24767876).

Literature cited by the submitters: PubMed 24767876.